The following is an entry in ClinVar:

ClinVar aggregate classification (germline): Pathogenic (1 of 4 stars; one submission).

Conditions:
Lynch syndrome 4 (LYNCH4). Also called: Hereditary non-polyposis colorectal cancer, type 4; Colorectal cancer, hereditary nonpolyposis, type 4. Identifiers: Orphanet 144, MedGen C1838333, MONDO:0013699, OMIM 614337. Disease mechanism: loss of function.

Submission:

Myriad Genetics, Inc.
Classification: Pathogenic for Lynch syndrome 4. Last evaluated: 2023-09-22. Review status: criteria provided, single submitter. Criteria: Myriad Autosomal Dominant, Autosomal Recessive and X-Linked Classification Criteria (2023). Collection method: clinical testing. Allele origin: unknown.
Comment: This variant is considered pathogenic. This variant creates a termination codon and is predicted to result in premature protein truncation.

NM_000535.7(PMS2):c.2335G>T (p.Gly779Ter)

Gene: PMS2 (PMS1 homolog 2, mismatch repair system component; minus strand). Cytogenetic location: 7p22.1.
Variant type: single nucleotide variant.
Coding change: c.2335G>T on transcript NM_000535.7 (MANE Select); coding-DNA position 2335, G replaced by T.
Protein change: p.Gly779Ter; replaces glycine 779 with a stop codon.
Molecular consequence: nonsense. On other transcripts: non-coding transcript variant (1).
Genome position (GRCh38, 1-based): chr7:5,977,698, C>A on the plus strand (G>T on the coding strand, the complement: PMS2 is on the minus strand). VCF-style: chr7-5977698-C-A. GRCh37 (hg19) VCF-style: chr7-6017329-C-A.
Other names: c.1930G>T, p.Gly644Ter (NM_001018040.1, NM_001322003.2, NM_001322004.2 and 12 more transcripts); c.2179G>T, p.Gly727Ter (NM_001322006.2); c.2017G>T, p.Gly673Ter (NM_001322007.2, NM_001322008.2, NM_001406883.1); c.1963G>T, p.Gly655Ter (NM_001322009.2, NM_001406887.1, NM_001406888.1); c.1774G>T, p.Gly592Ter (NM_001322010.2, NM_001406906.1, NM_001406907.1); c.1402G>T, p.Gly468Ter (NM_001322011.2, NM_001322012.2); c.1762G>T, p.Gly588Ter (NM_001322013.2, NM_001406908.1, NM_001406909.1); c.2368G>T, p.Gly790Ter (NM_001322014.2); and 20 more; short protein forms G378*, G468*, G522*, G540*, G588*, G592*, G608*, G617*.
Identifiers: ClinVar variation 2674213 (VCV002674213.1), dbSNP rs587780053, ClinGen allele CA366735943.